The following is an entry in ClinVar:

NM_152383.5(DIS3L2):c.1862T>C (p.Leu621Pro)

Gene: DIS3L2 (DIS3 like 3'-5' exoribonuclease 2; plus strand). Cytogenetic location: 2q37.1.
Variant type: single nucleotide variant.
Coding change: c.1862T>C on transcript NM_152383.5 (MANE Select); coding-DNA position 1862, T replaced by C.
Protein change: p.Leu621Pro; replaces leucine 621 with proline.
Molecular consequence: missense variant. On other transcripts: non-coding transcript variant (2), intron variant (1).
Genome position (GRCh38, 1-based): chr2:232,329,935, T>C. VCF-style: chr2-232329935-T-C. GRCh37 (hg19) VCF-style: chr2-233194645-T-C.
Other names: c.1582-13410T>C (NM_001257281.2); short protein forms L621P.
Identifiers: ClinVar variation 567607 (VCV000567607.10), dbSNP rs772312903, ClinGen allele CA2164290.

ClinVar aggregate classification (germline): Uncertain significance. Review status: criteria provided, multiple submitters, no conflicts (2 of 4 stars). 3 submissions from 3 submitters: Uncertain significance (3). Last evaluated 2024-07-29.

Conditions:
Perlman syndrome (PRLMNS). Identifiers: Orphanet 2849, MedGen C0796113, MONDO:0009965, OMIM 267000.

Allele frequency attached by ClinVar (database versions not stated): gnomAD exomes below 0.00001 and 0.00002; ExAC 0.00001; gnomAD 0.00001; TOPMed 0.00003.
gnomAD v4.1: 34 of 1,612,920 alleles (0.0021%); highest among the groups gnomAD compares: Non-Finnish European, 0.0029%; no homozygotes.

Submissions (3):

Labcorp Genetics (formerly Invitae), Labcorp
Classification: Uncertain significance for Perlman syndrome. Last evaluated: 2024-07-29. Review status: criteria provided, single submitter. Criteria: Invitae Variant Classification Sherloc (09022015). Collection method: clinical testing. Allele origin: germline.
Comment: This sequence change replaces leucine, which is neutral and non-polar, with proline, which is neutral and non-polar, at codon 621 of the DIS3L2 protein (p.Leu621Pro). The frequency data for this variant in the population databases is considered unreliable, as metrics indicate poor data quality at this position in the gnomAD database. This variant has not been reported in the literature in individuals affected with DIS3L2-related conditions. ClinVar contains an entry for this variant (Variation ID: 567607). Advanced modeling of protein sequence and biophysical properties (such as structural, functional, and spatial information, amino acid conservation, physicochemical variation, residue mobility, and thermodynamic stability) performed at Invitae indicates that this missense variant is expected to disrupt DIS3L2 protein function with a positive predictive value of 80%. In summary, the available evidence is currently insufficient to determine the role of this variant in disease. Therefore, it has been classified as a Variant of Uncertain Significance.

GeneDx
Classification: Uncertain significance. Last evaluated: 2022-10-17. Review status: criteria provided, single submitter. Criteria: GeneDx Variant Classification Process June 2021. Collection method: clinical testing. Allele origin: germline. Affected: yes.
Comment: Not observed at significant frequency in large population cohorts (gnomAD); In silico analysis supports that this missense variant has a deleterious effect on protein structure/function; Has not been previously published as pathogenic or benign to our knowledge

Sema4
Classification: Uncertain significance for Perlman syndrome. Last evaluated: 2021-12-16. Review status: criteria provided, single submitter. Criteria: Sema4 Curation Guidelines. Collection method: curation. Allele origin: germline.
Comment: The DIS3L2 c.1862T>C (p.L621P) variant has not been reported in the literature to our knowledge. It was observed in 1/112450 chromosomes of the European (non-Finnish) subpopulation, in the large and broad cohorts of the Genome Aggregation Database (PMID: 32461654). This variant has been reported in ClinVar (Variation ID 567607). Functional studies have not been performed, and in silico predictions of the variant's effect on protein function are inconclusive. The evidence is insufficient to meet ACMG/AMP criteria for classifying the variant as benign or pathogenic. Thus, the clinical significance of this variant is currently uncertain.